The following is an entry in ClinVar:

ClinVar aggregate classification (germline): Uncertain significance (1 of 4 stars; one submission).

Conditions:
Joubert syndrome 23 (JBTS23). Identifiers: Orphanet 475, MedGen C4084822, MONDO:0014664, OMIM 616490.
Short-rib thoracic dysplasia 14 with polydactyly (SRTD14). Identifiers: Orphanet 397715, MedGen C4225286, MONDO:0014688, OMIM 616546.

Submission:

Labcorp Genetics (formerly Invitae), Labcorp
Classification: Uncertain significance for Joubert syndrome 23; Short-rib thoracic dysplasia 14 with polydactyly. Last evaluated: 2022-02-04. Review status: criteria provided, single submitter. Criteria: Invitae Variant Classification Sherloc (09022015). Collection method: clinical testing. Allele origin: germline.
Comment: In summary, the available evidence is currently insufficient to determine the role of this variant in disease. Therefore, it has been classified as a Variant of Uncertain Significance. Algorithms developed to predict the effect of missense changes on protein structure and function output the following: SIFT: "Tolerated"; PolyPhen-2: "Benign"; Align-GVGD: "Class C0". The isoleucine amino acid residue is found in multiple mammalian species, which suggests that this missense change does not adversely affect protein function. This variant has not been reported in the literature in individuals affected with KIAA0586-related conditions. The frequency data for this variant in the population databases is considered unreliable, as metrics indicate poor data quality at this position in the gnomAD database. This sequence change replaces methionine, which is neutral and non-polar, with isoleucine, which is neutral and non-polar, at codon 1535 of the KIAA0586 protein (p.Met1535Ile).

NM_001329943.3(KIAA0586):c.4446G>A (p.Met1482Ile)

Gene: KIAA0586 (KIAA0586; plus strand). Cytogenetic location: 14q23.1.
Variant type: single nucleotide variant.
Coding change: c.4446G>A on transcript NM_001329943.3 (MANE Select); coding-DNA position 4446, G replaced by A.
Protein change: p.Met1482Ile; replaces methionine 1482 with isoleucine.
Molecular consequence: missense variant. On other transcripts: intron variant (2).
Genome position (GRCh38, 1-based): chr14:58,540,087, G>A. VCF-style: chr14-58540087-G-A. GRCh37 (hg19) VCF-style: chr14-59006805-G-A.
Other names: c.4605G>A, p.Met1535Ile (NM_001244189.2); c.4401G>A, p.Met1467Ile (NM_001244190.2); c.4191G>A, p.Met1397Ile (NM_001244191.2, NM_001364701.2); c.4314G>A, p.Met1438Ile (NM_001244192.2, NM_001329947.2); c.4446G>A, p.Met1482Ile (NM_001329944.2); c.4218G>A, p.Met1406Ile (NM_014749.5); c.4430-7694G>A (NM_001329946.2); c.4175-7694G>A (NM_001329945.2); short protein forms M1438I, M1397I, M1467I, M1482I, M1406I, M1535I.
Identifiers: ClinVar variation 1962124 (VCV001962124.5), dbSNP rs1162800868, ClinGen allele CA390058900.
Genomic context (GRCh38, chr14:58,540,087, plus strand): 5'-TATGCTTAACTGATTTTCTTCTGAAAAAATAAATTTTTATGTAGTTTCACCAGGTGATAT[G>A]GATCGGACACAAATTGAGCTTAATCCGTACCTCACATGTGTATTTTCAGGTAAGATTTTT-3'
Protein context (NP_001316872.1, residues 1472-1492): PSQQQVSPGD[Met1482Ile]DRTQIELNPY